The following is an entry in ClinVar:

ClinVar aggregate classification (germline): Pathogenic/Likely pathogenic. Review status: criteria provided, multiple submitters, no conflicts (2 of 4 stars). 3 submissions from 3 submitters: Pathogenic (1); Likely pathogenic (1). 1 of the submissions does not count toward it. Last evaluated 2025-01-09.

Conditions:
Usher syndrome type 1C. Also called: USHER SYNDROME, TYPE I, ACADIAN VARIETY. Identifiers: Orphanet 231169, Orphanet 886, MedGen C1848604, MONDO:0010171, OMIM 276904.
Autosomal recessive nonsyndromic hearing loss 18A. Also called: Deafness, autosomal recessive 18A; DEAFNESS, AUTOSOMAL RECESSIVE 18. Identifiers: Orphanet 90636, MedGen C1865870, MONDO:0011192, OMIM 602092.

Submissions (3):

Institute of Rare Diseases, West China Hospital, Sichuan University
Classification: Pathogenic for Usher syndrome type 1C. Last evaluated: 2025-01-09. Review status: criteria provided, single submitter. Criteria: ClinGen HL ACMG Specifications v1. Collection method: research. Allele origin: germline. Affected: yes.
Comment: PVS1;PM3_Strong;PM2_Supporting

Juno Genomics, Hangzhou Juno Genomics, Inc
Classification: Likely pathogenic for Usher syndrome type 1C; Autosomal recessive nonsyndromic hearing loss 18A. Review status: criteria provided, single submitter. Criteria: ACMG Guidelines, 2015. Collection method: clinical testing. Allele origin: germline.
Comment: Null variant in a gene where loss of function (LOF) is a known mechanism of disease.;Absent from controls (or at extremely low frequency if recessive) in Genome Aggregation Database.

Counsyl
Classification: Uncertain significance for Usher syndrome type 1C; Autosomal recessive nonsyndromic hearing loss 18A. Last evaluated: 2017-09-27. Review status: no assertion criteria provided. Collection method: clinical testing. Allele origin: unknown. Not counted in ClinVar's aggregate classification.

NM_005709.4(USH1C):c.1284+6880del

Gene: USH1C (USH1 protein network component harmonin; minus strand). Cytogenetic location: 11p15.1.
Variant type: Deletion.
Coding change: c.1284+6880del on transcript NM_005709.4 (MANE Plus Clinical); 6880 bases into the intron after coding-DNA position 1284, one base deleted (G; older notation c.1284+6880delG).
Molecular consequence: intron variant. On other transcripts: splice acceptor variant (1).
Genome position (GRCh38, 1-based): chr11:17,510,521, C deleted on the plus strand (G on the coding strand, the reverse complement: USH1C is on the minus strand); the first of 2 consecutive C bases (chr11:17,510,521-17,510,522); deleting either gives the same sequence. VCF-style (leftmost placement, unchanged base first): chr11-17510520-AC-A. GRCh37 (hg19) VCF-style: chr11-17532067-AC-A.
Other names: c.1284+6880delG (NM_005709.3); c.1227+6880del (NM_001297764.2); c.1414del (NM_153676.4).
Identifiers: ClinVar variation 554122 (VCV000554122.7), dbSNP rs745622612, ClinGen allele CA5904560.